The following is an entry in ClinVar:

NM_016239.4(MYO15A):c.917G>A (p.Gly306Asp)

Gene: MYO15A (myosin XVA; plus strand). Cytogenetic location: 17p11.2.
Variant type: single nucleotide variant.
Coding change: c.917G>A on transcript NM_016239.4 (MANE Select); coding-DNA position 917, G replaced by A.
Protein change: p.Gly306Asp; replaces glycine 306 with aspartic acid.
Molecular consequence: missense variant.
Genome position (GRCh38, 1-based): chr17:18,119,717, G>A. VCF-style: chr17-18119717-G-A. GRCh37 (hg19) VCF-style: chr17-18023031-G-A.
Other names: short protein forms G306D.
Identifiers: ClinVar variation 892338 (VCV000892338.11), dbSNP rs770104934, ClinGen allele CA8422972.

ClinVar aggregate classification (germline): Conflicting classifications of pathogenicity. Review status: criteria provided, conflicting classifications (1 of 4 stars). 4 submissions from 4 submitters: Uncertain significance (3); Likely benign (1). Last evaluated 2026-01-05.

Conditions:
Autosomal recessive nonsyndromic hearing loss 3. Also called: NEUROSENSORY NONSYNDROMIC RECESSIVE DEAFNESS 3. Identifiers: Orphanet 90636, MedGen C1838263, MONDO:0010860, OMIM 600316.
MYO15A-related disorder. Also called: MYO15A-related condition.

Allele frequency attached by ClinVar (database versions not stated): gnomAD exomes 0.00002 and 0.00010; gnomAD 0.00003 and 0.00004; TOPMed 0.00005; ExAC 0.00013.

Submissions (4):

PreventionGenetics, part of Exact Sciences
Classification: Uncertain significance for MYO15A-related condition. Last evaluated: 2026-01-05. Review status: criteria provided, single submitter. Criteria: ACMG Guidelines, 2015. Collection method: clinical testing. Allele origin: germline.
Comment: The MYO15A c.917G>A variant is predicted to result in the amino acid substitution p.Gly306Asp. To our knowledge, this variant has not been reported in the literature. This variant is reported in 0.079% of alleles in individuals of Latino descent in gnomAD. Although we suspect that this variant may be benign, at this time, the clinical significance of this variant is uncertain due to the absence of conclusive functional and genetic evidence.

GeneDx
Classification: Uncertain significance. Last evaluated: 2025-09-24. Review status: criteria provided, single submitter. Criteria: GeneDx Variant Classification Process June 2021. Collection method: clinical testing. Allele origin: germline.
Comment: In silico analysis suggests that this missense variant does not alter protein structure/function; Has not been previously published as pathogenic or benign to our knowledge

Labcorp Genetics (formerly Invitae), Labcorp
Classification: Likely benign. Last evaluated: 2024-01-03. Review status: criteria provided, single submitter. Criteria: Invitae Variant Classification Sherloc (09022015). Collection method: clinical testing. Allele origin: germline.

Illumina Laboratory Services, Illumina
Classification: Uncertain significance for Autosomal recessive nonsyndromic hearing loss 3. Last evaluated: 2018-01-12. Review status: criteria provided, single submitter. Criteria: ICSL Variant Classification Criteria 13 December 2019. Collection method: clinical testing. Allele origin: germline.